The following is an entry in ClinVar:

NM_032578.4(MYPN):c.3929C>G (p.Ser1310Cys)

Gene: MYPN (myopalladin; plus strand). Cytogenetic location: 10q21.3.
Variant type: single nucleotide variant.
Coding change: c.3929C>G on transcript NM_032578.4 (MANE Select); coding-DNA position 3929, C replaced by G.
Protein change: p.Ser1310Cys; replaces serine 1310 with cysteine.
Molecular consequence: missense variant. On other transcripts: non-coding transcript variant (2).
Genome position (GRCh38, 1-based): chr10:68,210,421, C>G. VCF-style: chr10-68210421-C-G. GRCh37 (hg19) VCF-style: chr10-69970178-C-G.
Other names: c.3929C>G, p.Ser1310Cys (NM_001256267.2); c.3047C>G, p.Ser1016Cys (NM_001256268.2); short protein forms S1016C, S1310C.
Identifiers: ClinVar variation 1736246 (VCV001736246.2), dbSNP rs2496050254, ClinGen allele CA376830448.

ClinVar aggregate classification (germline): Uncertain significance (1 of 4 stars; one submission).

Conditions:
Cardiovascular phenotype. Identifiers: MedGen CN230736.

Submission:

Ambry Genetics
Classification: Uncertain significance for Cardiovascular phenotype. Last evaluated: 2022-01-26. Review status: criteria provided, single submitter. Criteria: Ambry Variant Classification Scheme 2023. Collection method: clinical testing. Allele origin: germline.
Comment: The p.S1310C variant (also known as c.3929C>G), located in coding exon 19 of the MYPN gene, results from a C to G substitution at nucleotide position 3929. The serine at codon 1310 is replaced by cysteine, an amino acid with dissimilar properties. This amino acid position is conserved. In addition, this alteration is predicted to be tolerated by in silico analysis. Since supporting evidence is limited at this time, the clinical significance of this alteration remains unclear.